The following is an entry in ClinVar:

ClinVar aggregate classification (germline): Uncertain significance (1 of 4 stars; one submission).

Allele frequency attached by ClinVar (database versions not stated): ExAC 0.00001; gnomAD 0.00001; gnomAD exomes 0.00001 and 0.00002; TOPMed 0.00002.
gnomAD v4.1: 22 of 1,614,052 alleles (0.0014%); highest among the groups gnomAD compares: Admixed American, 0.0083%; no homozygotes.

Submission:

Labcorp Genetics (formerly Invitae), Labcorp
Classification: Uncertain significance. Last evaluated: 2021-08-18. Review status: criteria provided, single submitter. Criteria: Invitae Variant Classification Sherloc (09022015). Collection method: clinical testing. Allele origin: germline.
Comment: This variant has not been reported in the literature in individuals affected with IRF9-related conditions. This sequence change replaces asparagine with serine at codon 89 of the IRF9 protein (p.Asn89Ser). The asparagine residue is highly conserved and there is a small physicochemical difference between asparagine and serine. This variant is present in population databases (rs749583001, ExAC 0.009%). Algorithms developed to predict the effect of missense changes on protein structure and function (SIFT, PolyPhen-2, Align-GVGD) all suggest that this variant is likely to be disruptive. Algorithms developed to predict the effect of sequence changes on RNA splicing suggest that this variant may create or strengthen a splice site. In summary, the available evidence is currently insufficient to determine the role of this variant in disease. Therefore, it has been classified as a Variant of Uncertain Significance.

NM_006084.5(IRF9):c.266A>G (p.Asn89Ser)

Gene: IRF9 (interferon regulatory factor 9; plus strand). Cytogenetic location: 14q12.
Variant type: single nucleotide variant.
Coding change: c.266A>G on transcript NM_006084.5 (MANE Select); coding-DNA position 266, A replaced by G.
Protein change: p.Asn89Ser; replaces asparagine 89 with serine.
Molecular consequence: missense variant.
Genome position (GRCh38, 1-based): chr14:24,163,051, A>G. VCF-style: chr14-24163051-A-G. GRCh37 (hg19) VCF-style: chr14-24632260-A-G.
Other names: c.266A>G, p.Asn89Ser (NM_001385400.1, NM_001385401.1, NM_001385402.1); short protein forms N89S.
Identifiers: ClinVar variation 1489669 (VCV001489669.6), dbSNP rs749583001, ClinGen allele CA7126398.